The following is an entry in ClinVar:

NM_001010892.3(RSPH4A):c.1912G>A (p.Gly638Ser)

Gene: RSPH4A (radial spoke head component 4A; plus strand). Cytogenetic location: 6q22.1.
Variant type: single nucleotide variant.
Coding change: c.1912G>A on transcript NM_001010892.3 (MANE Select); coding-DNA position 1912, G replaced by A.
Protein change: p.Gly638Ser; replaces glycine 638 with serine.
Molecular consequence: missense variant.
Genome position (GRCh38, 1-based): chr6:116,630,548, G>A. VCF-style: chr6-116630548-G-A. GRCh37 (hg19) VCF-style: chr6-116951711-G-A.
Other names: c.1776G>A, p.Met592Ile (NM_001161664.2); short protein forms G638S, M592I.
Identifiers: ClinVar variation 571103 (VCV000571103.9), dbSNP rs370338820, ClinGen allele CA3971063.

ClinVar aggregate classification (germline): Uncertain significance (1 of 4 stars; one submission).

Conditions:
Primary ciliary dyskinesia. Also called: Ciliary dyskinesia. Identifiers: Orphanet 244, MedGen C0008780, MONDO:0016575, HP:0012265.

Allele frequency attached by ClinVar (database versions not stated): ExAC 0.00001; gnomAD 0.00001; gnomAD exomes 0.00001 and 0.00002; TOPMed 0.00002; ESP Exome Variant Server 0.00008.
gnomAD v4.1: 29 of 1,469,694 alleles (0.002%); highest among the groups gnomAD compares: Non-Finnish European, 0.0025%; no homozygotes.

Submission:

Labcorp Genetics (formerly Invitae), Labcorp
Classification: Uncertain significance for Primary ciliary dyskinesia. Last evaluated: 2023-08-24. Review status: criteria provided, single submitter. Criteria: Invitae Variant Classification Sherloc (09022015). Collection method: clinical testing. Allele origin: germline.
Comment: This variant is present in population databases (rs370338820, gnomAD 0.003%). In summary, the available evidence is currently insufficient to determine the role of this variant in disease. Therefore, it has been classified as a Variant of Uncertain Significance. Advanced modeling of protein sequence and biophysical properties (such as structural, functional, and spatial information, amino acid conservation, physicochemical variation, residue mobility, and thermodynamic stability) performed at Invitae indicates that this missense variant is not expected to disrupt RSPH4A protein function. ClinVar contains an entry for this variant (Variation ID: 571103). This variant has not been reported in the literature in individuals affected with RSPH4A-related conditions. This sequence change replaces glycine, which is neutral and non-polar, with serine, which is neutral and polar, at codon 638 of the RSPH4A protein (p.Gly638Ser).